The following is an entry in ClinVar:

NM_020436.5(SALL4):c.941C>G (p.Thr314Ser)

Gene: SALL4 (spalt like transcription factor 4; minus strand). Cytogenetic location: 20q13.2.
Variant type: single nucleotide variant.
Coding change: c.941C>G on transcript NM_020436.5 (MANE Select); coding-DNA position 941, C replaced by G.
Protein change: p.Thr314Ser; replaces threonine 314 with serine.
Molecular consequence: missense variant.
Genome position (GRCh38, 1-based): chr20:51,791,542, G>C on the plus strand (C>G on the coding strand, the complement: SALL4 is on the minus strand). VCF-style: chr20-51791542-G-C. GRCh37 (hg19) VCF-style: chr20-50408081-G-C.
Other names: c.941C>G, p.Thr314Ser (NM_001318031.2); short protein forms T314S.
Identifiers: ClinVar variation 3252372 (VCV003252372.2), dbSNP rs1237774976.

ClinVar aggregate classification (germline): Uncertain significance (1 of 4 stars; one submission).

Submission:

GeneDx
Classification: Uncertain significance. Last evaluated: 2025-05-23. Review status: criteria provided, single submitter. Criteria: GeneDx Variant Classification Process June 2021. Collection method: clinical testing. Allele origin: germline.
Comment: Not observed at significant frequency in large population cohorts (gnomAD); In silico analysis suggests that this missense variant does not alter protein structure/function; Has not been previously published as pathogenic or benign to our knowledge